The following is an entry in ClinVar:

NM_177438.3(DICER1):c.5439G>T (p.Glu1813Asp)

Gene: DICER1 (dicer 1, ribonuclease III; minus strand). Cytogenetic location: 14q32.13.
Variant type: single nucleotide variant.
Coding change: c.5439G>T on transcript NM_177438.3 (MANE Select); coding-DNA position 5439, G replaced by T.
Protein change: p.Glu1813Asp; replaces glutamic acid 1813 with aspartic acid.
Molecular consequence: missense variant. On other transcripts: intron variant (1).
Genome position (GRCh38, 1-based): chr14:95,091,291, C>A on the plus strand (G>T on the coding strand, the complement: DICER1 is on the minus strand). VCF-style: chr14-95091291-C-A. GRCh37 (hg19) VCF-style: chr14-95557628-C-A.
Other names: c.5439G>T, p.Glu1813Asp (NM_001271282.3, NM_001291628.2, NM_030621.4); c.5365-182G>T (NM_001195573.1); short protein forms E1813D.
Identifiers: ClinVar variation 933125 (VCV000933125.4), dbSNP rs1889805730, ClinGen allele CA390864650.

ClinVar aggregate classification (germline): Pathogenic (1 of 4 stars; one submission).
ClinVar aggregate classification (somatic clinical impact): Tier I - Strong. Review status: criteria provided, single submitter (1 of 4 stars). 3 submissions from 1 submitter. Last evaluated 2025-05-27.

Conditions:
DICER1-related tumor predisposition. Also called: DICER1-related pleuropulmonary blastoma cancer predisposition syndrome; DICER1 syndrome. Identifiers: Orphanet 284343, MedGen C3839822, MONDO:0100216.
Ovarian gynandroblastoma. Identifiers: Orphanet 99914, MedGen C0346178, MONDO:0020540.
Primary intracranial sarcoma, DICER1-mutant. Identifiers: MedGen C5670660, MONDO:0858967.
Follicular thyroid carcinoma. Also called: Thyroid cancer, follicular; Thyroid gland follicular carcinoma. Identifiers: MedGen C0206682, MONDO:0005034, HP:0006731.

Submissions (4):

Institute for Genomic Medicine (IGM) Clinical Laboratory, Nationwide Children's Hospital
Classification: Tier I - Strong for Follicular thyroid carcinoma. Assertion type: diagnostic. Clinical significance: supports diagnosis. Last evaluated: 2025-05-27. Review status: criteria provided, single submitter. Criteria: AMP/ASCO/CAP Guidelines, 2017. Collection method: clinical testing. Allele origin: somatic. Affected: yes.
Comment: Variant has Tier I (strong) clinical significance as a diagnostic inclusion criterion in thyroid gland follicular carcinoma, based on the following evidence: 1) Documented in one or more cancer databases (e.g., St. Jude Pecan, COSMIC, CIViC, OncoKB). 2) Appears in one or more well-established professional guidelines (e.g., World Health Organization [WHO]; National Comprehensive Cancer Network [NCCN]) as providing diagnostic, prognostic, or therapeutic information. 3) Diagnostic for a specific tumor type/classification based on well-powered studies with expert-level consensus (Evidence Level B; PMIDs: 34313965, 34580763, 36251117, 37160531).

Institute for Genomic Medicine (IGM) Clinical Laboratory, Nationwide Children's Hospital
Classification: Tier I - Strong for Ovarian gynandroblastoma. Assertion type: diagnostic. Clinical significance: supports diagnosis. Last evaluated: 2024-06-12. Review status: criteria provided, single submitter. Criteria: AMP/ASCO/CAP Guidelines, 2017. Collection method: clinical testing. Allele origin: somatic. Affected: yes.
Comment: Variant has Tier I (strong) clinical significance as a diagnostic inclusion criterion in ovarian gynandroblastoma, based on the following evidence: 1) Documented in one or more cancer databases (e.g., St. Jude Pecan, COSMIC, CIViC, OncoKB). 2) Appears in one or more well-established professional guidelines (e.g., World Health Organization [WHO]; National Comprehensive Cancer Network [NCCN]) as providing diagnostic, prognostic, or therapeutic information. 3) Diagnostic for a specific tumor type/classification based on well-powered studies with expert-level consensus (Evidence Level B; PMIDs: 26428316, 29037807, 29660837, 32910017, 34169133).

Institute for Genomic Medicine (IGM) Clinical Laboratory, Nationwide Children's Hospital
Classification: Tier I - Strong for Primary intracranial sarcoma, DICER1-mutant. Assertion type: diagnostic. Clinical significance: supports diagnosis. Last evaluated: 2024-04-04. Review status: criteria provided, single submitter. Criteria: AMP/ASCO/CAP Guidelines, 2017. Collection method: clinical testing. Allele origin: somatic. Affected: yes.
Comment: Variant has Tier I (strong) clinical significance as a diagnostic inclusion criterion in primary intracranial sarcoma, DICER1-mutant, based on the following evidence: 1) Documented in one or more cancer databases (e.g., St. Jude Pecan, COSMIC, CIViC, OncoKB). 2) Appears in one or more well-established professional guidelines (e.g., World Health Organization [WHO]; National Comprehensive Cancer Network [NCCN]) as providing diagnostic, prognostic, or therapeutic information. 3) Information in the literature supports potential biologic effect of variant (PMID: 33135284). 4) Diagnostic for a specific tumor type/classification according to professional guidelines (Evidence Level A; PMIDs: 29881993, 32291395, 36966138, 31487013, 34674226).

Foulkes Cancer Genetics LDI, Lady Davis Institute for Medical Research
Classification: Pathogenic for Pleuropulmonary blastoma. Last evaluated: 2019-07-01. Review status: criteria provided, single submitter. Criteria: ACMG Guidelines, 2015. Collection method: curation. Allele origin: somatic, unknown. Affected: yes. Observed: 41 variant alleles.
Comment: ACMG criteria met: PS3, PM1, PM2, PM7, PP3, PP4, BP1

Literature cited by the submitters: PubMed 34313965 (cited by Institute for Genomic Medicine (IGM) Clinical Laboratory, Nationwide Children's Hospital); PubMed 34580763 (cited by Institute for Genomic Medicine (IGM) Clinical Laboratory, Nationwide Children's Hospital); PubMed 36251117 (cited by Institute for Genomic Medicine (IGM) Clinical Laboratory, Nationwide Children's Hospital); PubMed 37160531 (cited by Institute for Genomic Medicine (IGM) Clinical Laboratory, Nationwide Children's Hospital); PubMed 26428316 (cited by Institute for Genomic Medicine (IGM) Clinical Laboratory, Nationwide Children's Hospital); PubMed 29037807 (cited by Institute for Genomic Medicine (IGM) Clinical Laboratory, Nationwide Children's Hospital and Foulkes Cancer Genetics LDI, Lady Davis Institute for Medical Research); PubMed 29660837 (cited by Institute for Genomic Medicine (IGM) Clinical Laboratory, Nationwide Children's Hospital); PubMed 32910017 (cited by Institute for Genomic Medicine (IGM) Clinical Laboratory, Nationwide Children's Hospital); PubMed 34169133 (cited by Institute for Genomic Medicine (IGM) Clinical Laboratory, Nationwide Children's Hospital); PubMed 33135284 (cited by Institute for Genomic Medicine (IGM) Clinical Laboratory, Nationwide Children's Hospital); PubMed 29881993 (cited by Institute for Genomic Medicine (IGM) Clinical Laboratory, Nationwide Children's Hospital and Foulkes Cancer Genetics LDI, Lady Davis Institute for Medical Research); PubMed 32291395 (cited by Institute for Genomic Medicine (IGM) Clinical Laboratory, Nationwide Children's Hospital); PubMed 36966138 (cited by Institute for Genomic Medicine (IGM) Clinical Laboratory, Nationwide Children's Hospital); PubMed 31487013 (cited by Institute for Genomic Medicine (IGM) Clinical Laboratory, Nationwide Children's Hospital); PubMed 34674226 (cited by Institute for Genomic Medicine (IGM) Clinical Laboratory, Nationwide Children's Hospital); PubMed 21205968 (cited by Foulkes Cancer Genetics LDI, Lady Davis Institute for Medical Research); PubMed 26461232 (cited by Foulkes Cancer Genetics LDI, Lady Davis Institute for Medical Research); PubMed 25356068 (cited by Foulkes Cancer Genetics LDI, Lady Davis Institute for Medical Research); PubMed 24617712 (cited by Foulkes Cancer Genetics LDI, Lady Davis Institute for Medical Research); PubMed 27459524 (cited by Foulkes Cancer Genetics LDI, Lady Davis Institute for Medical Research); PubMed 24481001 (cited by Foulkes Cancer Genetics LDI, Lady Davis Institute for Medical Research); PubMed 30260442 (cited by Foulkes Cancer Genetics LDI, Lady Davis Institute for Medical Research); PubMed 24839956 (cited by Foulkes Cancer Genetics LDI, Lady Davis Institute for Medical Research); PubMed 25118636 (cited by Foulkes Cancer Genetics LDI, Lady Davis Institute for Medical Research); PubMed 25836323 (cited by Foulkes Cancer Genetics LDI, Lady Davis Institute for Medical Research); PubMed 26033159 (cited by Foulkes Cancer Genetics LDI, Lady Davis Institute for Medical Research); PubMed 26033501 (cited by Foulkes Cancer Genetics LDI, Lady Davis Institute for Medical Research); PubMed 26289771 (cited by Foulkes Cancer Genetics LDI, Lady Davis Institute for Medical Research); PubMed 26841698 (cited by Foulkes Cancer Genetics LDI, Lady Davis Institute for Medical Research); PubMed 27697588 (cited by Foulkes Cancer Genetics LDI, Lady Davis Institute for Medical Research); PubMed 28524158 (cited by Foulkes Cancer Genetics LDI, Lady Davis Institute for Medical Research); PubMed 28654427 (cited by Foulkes Cancer Genetics LDI, Lady Davis Institute for Medical Research); PubMed 28766837 (cited by Foulkes Cancer Genetics LDI, Lady Davis Institute for Medical Research); PubMed 29395683 (cited by Foulkes Cancer Genetics LDI, Lady Davis Institute for Medical Research); PubMed 29883781 (cited by Foulkes Cancer Genetics LDI, Lady Davis Institute for Medical Research); PubMed 30597651 (cited by Foulkes Cancer Genetics LDI, Lady Davis Institute for Medical Research).